The following is an entry in ClinVar:

NM_021830.5(TWNK):c.853C>T (p.Arg285Ter)

Gene: TWNK (twinkle mtDNA helicase; plus strand). Cytogenetic location: 10q24.31.
Variant type: single nucleotide variant.
Coding change: c.853C>T on transcript NM_021830.5 (MANE Select); coding-DNA position 853, C replaced by T.
Protein change: p.Arg285Ter; replaces arginine 285 with a stop codon.
Molecular consequence: nonsense. On other transcripts: non-coding transcript variant (4), intron variant (3).
Genome position (GRCh38, 1-based): chr10:100,989,063, C>T. VCF-style: chr10-100989063-C-T. GRCh37 (hg19) VCF-style: chr10-102748820-C-T.
Other names: c.853C>T, p.Arg285Ter (NM_001163812.2); c.-119-581C>T (NM_001163814.2, NM_001163813.2); c.-57-643C>T (NM_001368275.1); short protein forms R285*.
Identifiers: ClinVar variation 620159 (VCV000620159.11), dbSNP rs1564808324, ClinGen allele CA378208702.
Genomic context (GRCh38, chr10:100,989,063, plus strand): 5'-CGTGAGCTTGACAGCCTGGCCTTGAACCAGTCCACGGGGCTGCCTACCCTTACTCTACCC[C>T]GAGGAACGACCTGCTTACCCCCTGCCTTACTCCCTTACCTGGAACAGTTCCGGCGGATTG-3'

ClinVar aggregate classification (germline): Pathogenic/Likely pathogenic. Review status: criteria provided, multiple submitters, no conflicts (2 of 4 stars). 4 submissions from 4 submitters: Pathogenic (2); Likely pathogenic (2). Last evaluated 2025-09-09.

Conditions:
TWNK-related disorder. Also called: TWNK-related condition.
Infantile onset spinocerebellar ataxia (MTDPS7). Also called: Mitochondrial DNA depletion syndrome 7 (hepatocerebral type); OPHTHALMOPLEGIA, HYPOTONIA, ATAXIA, HYPOACUSIS, AND ATHETOSIS; OHAHA SYNDROME; SPINOCEREBELLAR ATAXIA, INFANTILE, WITH SENSORY NEUROPATHY. Identifiers: Orphanet 1186, MedGen C1849096, MONDO:0010060, OMIM 271245.

gnomAD v4.1: 3 of 1,614,048 alleles (0.00019%); highest among the groups gnomAD compares: Non-Finnish European, 0.00017%; no homozygotes.

Submissions (4):

GeneDx
Classification: Pathogenic. Last evaluated: 2025-09-09. Review status: criteria provided, single submitter. Criteria: GeneDx Variant Classification Process June 2021. Collection method: clinical testing. Allele origin: germline. Affected: yes.
Comment: Has been reported in two unrelated patients with clinical features and muscle biospy results consistent with mitochondrial disease in the published literature; both patients harbored a second TWNK gene variant however it was not determine whether these variants were on the same allele (cis) or opposite alleles (trans) (PMID: 30391088, 38703036); Not observed at significant frequency in large population cohorts (gnomAD); Nonsense variant predicted to result in protein truncation or nonsense mediated decay in a gene for which loss of function is a known mechanism of disease; This variant is associated with the following publications: (PMID: 38703036, 30391088)

Service de Génétique Médicale, Centre Hospitalier Universitaire de Nice-Université Côte d'Azur
Classification: Likely pathogenic for Infantile onset spinocerebellar ataxia. Last evaluated: 2024-02-27. Review status: criteria provided, single submitter. Criteria: ACMG Guidelines, 2015. Collection method: clinical testing. Allele origin: germline. Affected: yes.

Blueprint Genetics
Classification: Likely pathogenic for TWNK-related disorders. Last evaluated: 2023-06-15. Review status: criteria provided, single submitter. Criteria: ACMG Guidelines, 2015. Collection method: clinical testing. Allele origin: germline. Affected: yes. Observed: 1 variant allele.

Labcorp Genetics (formerly Invitae), Labcorp
Classification: Pathogenic. Last evaluated: 2020-11-14. Review status: criteria provided, single submitter. Criteria: Invitae Variant Classification Sherloc (09022015). Collection method: clinical testing. Allele origin: germline.
Comment: This sequence change creates a premature translational stop signal (p.Arg285*) in the TWNK gene. It is expected to result in an absent or disrupted protein product. Loss-of-function variants in TWNK are known to be pathogenic (PMID: 27551684, 31455392). This variant is not present in population databases (ExAC no frequency). This variant has not been reported in the literature in individuals with TWNK-related conditions. ClinVar contains an entry for this variant (Variation ID: 620159). For these reasons, this variant has been classified as Pathogenic.

Literature cited by the submitters: PubMed 38703036 (cited by Service de Génétique Médicale, Centre Hospitalier Universitaire de Nice-Université Côte d'Azur); PubMed 27551684 (cited by Labcorp Genetics (formerly Invitae), Labcorp); PubMed 31455392 (cited by Labcorp Genetics (formerly Invitae), Labcorp).